The following is an entry in ClinVar:

ClinVar aggregate classification (germline): Conflicting classifications of pathogenicity. Review status: criteria provided, conflicting classifications (1 of 4 stars). 4 submissions from 4 submitters: Uncertain significance (2); Likely benign (2). Last evaluated 2025-01-15.

Conditions:
BRCA2-related cancer predisposition. Identifiers: MedGen CN377758, MONDO:0700269.
Hereditary cancer-predisposing syndrome. Also called: Neoplastic Syndromes, Hereditary; Tumor predisposition; Hereditary neoplastic syndrome; Hereditary Cancer Syndrome. Identifiers: Orphanet 140162, MedGen C0027672, MeSH D009386, MONDO:0015356.
Hereditary breast ovarian cancer syndrome. Also called: Hereditary breast and ovarian cancer syndrome; Hereditary breast and ovarian cancer; Hereditary breast and ovarian cancer syndrome (HBOC); Breast and ovarian cancer; Hereditary breast and/or ovarian cancer syndrome; BRCA1- and BRCA2-Associated Hereditary Breast and Ovarian Cancer. Identifiers: Orphanet 145, MedGen C0677776, MeSH D061325, MONDO:0003582. Disease mechanism: loss of function.

Submissions (4):

Ambry Genetics
Classification: Likely benign for Hereditary cancer-predisposing syndrome. Last evaluated: 2025-01-15. Review status: criteria provided, single submitter. Criteria: Ambry Variant Classification Scheme 2023. Collection method: clinical testing. Allele origin: germline.

All of Us Research Program, National Institutes of Health
Classification: Uncertain significance for BRCA2-related cancer predisposition. Last evaluated: 2024-07-20. Review status: criteria provided, single submitter. Criteria: ACMG Guidelines, 2015. Collection method: clinical testing. Allele origin: germline. Inheritance: Autosomal dominant inheritance. Observed: 1 variant allele, 1 heterozygote.
Comment: This missense variant replaces glutamic acid with glycine at codon 1511 of the BRCA2 protein. Computational prediction suggests that this variant may not impact protein structure and function. To our knowledge, functional studies have not been reported for this variant. This variant has not been reported in individuals affected with BRCA2-related disorders in the literature. This variant has not been identified in the general population by the Genome Aggregation Database (gnomAD). The available evidence is insufficient to determine the role of this variant in disease conclusively. Therefore, this variant is classified as a Variant of Uncertain Significance.

This study involves interpretation of variants in research participants for the purpose of population health screening. Participant phenotype was not available at the time of variant classification. Additional details can be found in publication PMID: 35346344, PMCID: PMC8962531

Labcorp Genetics (formerly Invitae), Labcorp
Classification: Uncertain significance for Hereditary breast ovarian cancer syndrome. Last evaluated: 2023-12-27. Review status: criteria provided, single submitter. Criteria: Invitae Variant Classification Sherloc (09022015). Collection method: clinical testing. Allele origin: germline.
Comment: This sequence change replaces glutamic acid, which is acidic and polar, with glycine, which is neutral and non-polar, at codon 1511 of the BRCA2 protein (p.Glu1511Gly). This variant is not present in population databases (gnomAD no frequency). This variant has not been reported in the literature in individuals affected with BRCA2-related conditions. ClinVar contains an entry for this variant (Variation ID: 824981). Advanced modeling of protein sequence and biophysical properties (such as structural, functional, and spatial information, amino acid conservation, physicochemical variation, residue mobility, and thermodynamic stability) performed at Invitae indicates that this missense variant is not expected to disrupt BRCA2 protein function with a negative predictive value of 95%. In summary, the available evidence is currently insufficient to determine the role of this variant in disease. Therefore, it has been classified as a Variant of Uncertain Significance.

University of Washington Department of Laboratory Medicine, University of Washington
Classification: Likely benign for Hereditary cancer-predisposing syndrome. Last evaluated: 2023-03-23. Review status: criteria provided, single submitter. Criteria: Dines et al. (Genet Med. 2020). Collection method: curation. Allele origin: germline.
Comment: Missense variant in a coldspot region where missense variants are very unlikely to be pathogenic (PMID:31911673).

BRCA2 exon 11 coldspot. Reclassification based on statistical prior probability.

NM_000059.4(BRCA2):c.4532A>G (p.Glu1511Gly)

Gene: BRCA2 (BRCA2 DNA repair associated; plus strand). Cytogenetic location: 13q13.1.
Variant type: single nucleotide variant.
Coding change: c.4532A>G on transcript NM_000059.4 (MANE Select); coding-DNA position 4532, A replaced by G.
Protein change: p.Glu1511Gly; replaces glutamic acid 1511 with glycine.
Molecular consequence: missense variant.
Genome position (GRCh38, 1-based): chr13:32,338,887, A>G. VCF-style: chr13-32338887-A-G. GRCh37 (hg19) VCF-style: chr13-32913024-A-G.
Other names: short protein forms E1511G.
Identifiers: ClinVar variation 824981 (VCV000824981.11), dbSNP rs1593902650, ClinGen allele CA387781708.